The following is an entry in ClinVar:

NM_000760.4(CSF3R):c.2150C>T (p.Thr717Ile)

Gene: CSF3R (colony stimulating factor 3 receptor; minus strand). Cytogenetic location: 1p34.3.
Variant type: single nucleotide variant.
Coding change: c.2150C>T on transcript NM_000760.4 (MANE Select); coding-DNA position 2150, C replaced by T.
Protein change: p.Thr717Ile; replaces threonine 717 with isoleucine.
Molecular consequence: missense variant.
Genome position (GRCh38, 1-based): chr1:36,466,718, G>A on the plus strand (C>T on the coding strand, the complement: CSF3R is on the minus strand). VCF-style: chr1-36466718-G-A. GRCh37 (hg19) VCF-style: chr1-36932319-G-A.
Other names: c.2231C>T, p.Thr744Ile (NM_156039.3); c.2150C>T, p.Thr717Ile (NM_172313.3); short protein forms T744I, T717I.
Identifiers: ClinVar variation 3637948 (VCV003637948.2).
Genomic context (GRCh38, chr1:36,466,718, plus strand): 5'-GAAACTGCTCTTGGGTCCCCCTGGAGCACATAGGTCTGGACCAGAGTGGGGAGGCCACAG[G>A]TCTCTGAGCTGTTATGGGACTCCCAGGGCACCGGCTTCTTTTCATCCTCCTCCAGCACTG-3'
Protein context (NP_000751.1, residues 707-727): VPWESHNSSE[Thr717Ile]CGLPTLVQTY

ClinVar aggregate classification (germline): Uncertain significance (1 of 4 stars; one submission).

Conditions:
Autosomal recessive severe congenital neutropenia due to CSF3R deficiency. Also called: Neutropenia, severe congenital, 7, autosomal recessive. Identifiers: Orphanet 420702, MedGen C4310764, MONDO:0014865, OMIM 617014.

gnomAD v4.1: 1 of 1,614,234 alleles (0.000062%); highest among the groups gnomAD compares: Non-Finnish European, 0.000085%; no homozygotes.

Submission:

Labcorp Genetics (formerly Invitae), Labcorp
Classification: Uncertain significance for Autosomal recessive severe congenital neutropenia due to CSF3R deficiency. Last evaluated: 2024-03-21. Review status: criteria provided, single submitter. Criteria: Invitae Variant Classification Sherloc (09022015). Collection method: clinical testing. Allele origin: germline.
Comment: This sequence change replaces threonine, which is neutral and polar, with isoleucine, which is neutral and non-polar, at codon 717 of the CSF3R protein (p.Thr717Ile). This variant is not present in population databases (gnomAD no frequency). This variant has not been reported in the literature in individuals affected with CSF3R-related conditions. Advanced modeling of protein sequence and biophysical properties (such as structural, functional, and spatial information, amino acid conservation, physicochemical variation, residue mobility, and thermodynamic stability) performed at Invitae indicates that this missense variant is not expected to disrupt CSF3R protein function with a negative predictive value of 80%. In summary, the available evidence is currently insufficient to determine the role of this variant in disease. Therefore, it has been classified as a Variant of Uncertain Significance.